The following is an entry in ClinVar:

ClinVar aggregate classification (germline): Uncertain significance (1 of 4 stars; one submission).

Allele frequency attached by ClinVar (database versions not stated): gnomAD exomes below 0.00001 and 0.00001; ExAC 0.00001.
gnomAD v4.1: 3 of 1,610,660 alleles (0.00019%); highest among the groups gnomAD compares: Non-Finnish European, 0.00025%; no homozygotes.

Submission:

GeneDx
Classification: Uncertain significance. Last evaluated: 2020-01-21. Review status: criteria provided, single submitter. Criteria: GeneDx Variant Classification Process June 2021. Collection method: clinical testing. Allele origin: germline. Affected: yes.
Comment: Nonsense variant with an unclear effect on protein function; Located in the I-band region; does not affect one of the constitutively expressed exons throughout the TTN gene which have been associated with DCM (Deo, 2016; Schafer et al., 2017); Not observed at a significant frequency in large population cohorts (Lek et al., 2016); Has not been previously published as pathogenic or benign to our knowledge

NM_001267550.2(TTN):c.35149G>T (p.Glu11717Ter)

Gene: TTN (titin; minus strand). Cytogenetic location: 2q31.2.
Variant type: single nucleotide variant.
Coding change: c.35149G>T on transcript NM_001267550.2 (MANE Select); coding-DNA position 35149, G replaced by T.
Protein change: p.Glu11717Ter; replaces glutamic acid 11717 with a stop codon.
Molecular consequence: nonsense. On other transcripts: intron variant (3).
Genome position (GRCh38, 1-based): chr2:178,672,049, C>A on the plus strand (G>T on the coding strand, the complement: TTN is on the minus strand). VCF-style: chr2-178672049-C-A. GRCh37 (hg19) VCF-style: chr2-179536776-C-A.
Other names: c.34027G>T, p.Glu11343Ter (NM_001256850.1); c.31246G>T, p.Glu10416Ter (NM_133378.4); c.13283-29732G>T (NM_003319.4); c.13859-29732G>T (NM_133437.4); c.13658-29732G>T (NM_133432.3); short protein forms E10416*, E11343*, E11717*.
Identifiers: ClinVar variation 1223393 (VCV001223393.3), dbSNP rs764553108, ClinGen allele CA1997905.
Genomic context (GRCh38, chr2:178,672,049, plus strand): 5'-GTTTTTCAAATACTTCCACTTCTTCAGCCTCAAAAACTTCTATTACCCTATGAACTTTTT[C>A]AACTCTGTGTTCTTCTTCAACTCTATGTTGTTCTAATTTGATGAATTCTTCTACTTCATG-3'